The following is an entry in ClinVar:

ClinVar aggregate classification (germline): Uncertain significance (1 of 4 stars; one submission).

Conditions:
Short-rib thoracic dysplasia 6 with or without polydactyly (SRTD6). Also called: Majewski Syndrome; POLYDACTYLY WITH NEONATAL CHONDRODYSTROPHY, TYPE II; SHORT-RIB THORACIC DYSPLASIA 6 WITH POLYDACTYLY; SHORT-RIB THORACIC DYSPLASIA 6 WITHOUT POLYDACTYLY; SHORT RIB-POLYDACTYLY SYNDROME, TYPE IIA. Identifiers: MedGen C0024507, MONDO:0009894, OMIM 263520.

Allele frequency attached by ClinVar (database versions not stated): gnomAD 0.00001; TOPMed 0.00001.
gnomAD v4.1: 2 of 1,608,972 alleles (0.00012%); highest among the groups gnomAD compares: Non-Finnish European, 0.00017%; no homozygotes.

Submission:

Labcorp Genetics (formerly Invitae), Labcorp
Classification: Uncertain significance for Short-rib thoracic dysplasia 6 with or without polydactyly. Last evaluated: 2022-11-08. Review status: criteria provided, single submitter. Criteria: Invitae Variant Classification Sherloc (09022015). Collection method: clinical testing. Allele origin: germline.
Comment: This missense change has been observed in individual(s) with amyotrophic lateral sclerosis (PMID: 33445179). In summary, the available evidence is currently insufficient to determine the role of this variant in disease. Therefore, it has been classified as a Variant of Uncertain Significance. Advanced modeling of protein sequence and biophysical properties (such as structural, functional, and spatial information, amino acid conservation, physicochemical variation, residue mobility, and thermodynamic stability) performed at Invitae indicates that this missense variant is expected to disrupt NEK1 protein function. ClinVar contains an entry for this variant (Variation ID: 1433135). This variant is also known as c.3664G>A (p.Glu1222Lys). This variant is present in population databases (no rsID available, gnomAD 0.007%). This sequence change replaces glutamic acid, which is acidic and polar, with lysine, which is basic and polar, at codon 1194 of the NEK1 protein (p.Glu1194Lys).

Literature cited by the submitters: PubMed 33445179.

NM_001199397.3(NEK1):c.3664G>A (p.Glu1222Lys)

Gene: NEK1 (NIMA related kinase 1; minus strand). Cytogenetic location: 4q33.
Variant type: single nucleotide variant.
Coding change: c.3664G>A on transcript NM_001199397.3 (MANE Select); coding-DNA position 3664, G replaced by A.
Protein change: p.Glu1222Lys; replaces glutamic acid 1222 with lysine.
Molecular consequence: missense variant. On other transcripts: non-coding transcript variant (1).
Genome position (GRCh38, 1-based): chr4:169,400,571, C>T on the plus strand (G>A on the coding strand, the complement: NEK1 is on the minus strand). VCF-style: chr4-169400571-C-T. GRCh37 (hg19) VCF-style: chr4-170321722-C-T.
Other names: c.3529G>A, p.Glu1177Lys (NM_001374420.1); c.3181G>A, p.Glu1061Lys (NM_001374421.1); c.3580G>A, p.Glu1194Lys (NM_012224.4, NM_001374419.1); c.3532G>A, p.Glu1178Lys (NM_001199398.3); c.3373G>A, p.Glu1125Lys (NM_001199399.3); c.3448G>A, p.Glu1150Lys (NM_001199400.3); c.3664G>A, p.Glu1222Lys (NM_001374418.1); short protein forms E1125K, E1150K, E1194K, E1222K, E1178K, E1061K, E1177K.
Identifiers: ClinVar variation 1433135 (VCV001433135.6), dbSNP rs1219156888, ClinGen allele CA358800069.